The following is an entry in ClinVar:

NM_000091.5(COL4A3):c.25C>T (p.Pro9Ser)

Genes: COL4A3 (collagen type IV alpha 3 chain; plus strand), LOC129935730 (ATAC-STARR-seq lymphoblastoid silent region 12397; plus strand). Cytogenetic location: 2q36.3.
Variant type: single nucleotide variant.
Coding change: c.25C>T on transcript NM_000091.5 (MANE Select); coding-DNA position 25, C replaced by T.
Protein change: p.Pro9Ser; replaces proline 9 with serine.
Molecular consequence: missense variant.
Genome position (GRCh38, 1-based): chr2:227,164,751, C>T. VCF-style: chr2-227164751-C-T. GRCh37 (hg19) VCF-style: chr2-228029467-C-T.
Other names: short protein forms P9S.
Identifiers: ClinVar variation 1386500 (VCV001386500.14), dbSNP rs890999119, ClinGen allele CA66565436.
Genomic context (GRCh38, chr2:227,164,751, plus strand): 5'-CCCCGGACTCGCCCAGGCTCTGAGCGCGCGCCCACCATGAGCGCCCGGACCGCCCCCAGG[C>T]CGCAGGTGCTCCTGCTGCCGCTCCTGCTGGTGCTCCTGGCGGCGGCGCCCGCAGCCAGCA-3'
Protein context (NP_000082.2, residues 1-19): MSARTAPR[Pro9Ser]QVLLLPLLLV

ClinVar aggregate classification (germline): Conflicting classifications of pathogenicity. Review status: criteria provided, conflicting classifications (1 of 4 stars). 5 submissions from 5 submitters: Uncertain significance (3); Likely benign (2). Last evaluated 2026-03-16.

Conditions:
Inborn genetic diseases. Identifiers: MedGen C0950123, MeSH D030342.
Autosomal dominant Alport syndrome (ATS3A). Also called: ALPORT SYNDROME 3A, AUTOSOMAL DOMINANT; Alport syndrome dominant type; Renal failure and sensorineural hearing loss. Identifiers: Orphanet 63, Orphanet 88918, MedGen C5882663, MONDO:0007086, OMIM 104200.
Hematuria, benign familial, 2 (BFH2). Identifiers: MedGen C5830421, MONDO:0958186, OMIM 620320.
Alport syndrome 3b, autosomal recessive. Identifiers: MedGen C5882699, MONDO:0957811, OMIM 620536.

Allele frequency attached by ClinVar (database versions not stated): gnomAD exomes 0.00002; gnomAD 0.00009; TOPMed 0.00011.
gnomAD v4.1: 23 of 1,526,738 alleles (0.0015%); highest among the groups gnomAD compares: African/African-American, 0.027%; no homozygotes.

Submissions (5):

Women's Health and Genetics/Laboratory Corporation of America, LabCorp
Classification: Uncertain significance. Last evaluated: 2026-03-16. Review status: criteria provided, single submitter. Criteria: LabCorp Variant Classification Summary - May 2015. Collection method: clinical testing. Allele origin: germline.
Comment: Variant summary: COL4A3 c.25C>T (p.Pro9Ser) results in a non-conservative amino acid change in the encoded protein sequence. Algorithms developed to predict the effect of missense changes on protein structure and function are either unavailable or do not agree on the potential impact of this missense change. The variant allele was found at a frequency of 2.5e-05 in 122022 control chromosomes. The available data on variant occurrences in the general population are insufficient to allow any conclusion about variant significance. To our knowledge, no occurrence of c.25C>T in individuals affected with COL4A3-related conditions and no experimental evidence demonstrating its impact on protein function have been reported. ClinVar contains an entry for this variant (Variation ID: 1386500). Based on the evidence outlined above, the variant was classified as uncertain significance.

Labcorp Genetics (formerly Invitae), Labcorp
Classification: Likely benign. Last evaluated: 2026-01-25. Review status: criteria provided, single submitter. Criteria: Invitae Variant Classification Sherloc (09022015). Collection method: clinical testing. Allele origin: germline.

GeneDx
Classification: Uncertain significance. Last evaluated: 2025-10-02. Review status: criteria provided, single submitter. Criteria: GeneDx Variant Classification Process June 2021. Collection method: clinical testing. Allele origin: germline. Affected: yes.
Comment: In silico analysis suggests that this missense variant does not alter protein structure/function; Has not been previously published as pathogenic or benign to our knowledge

Ambry Genetics
Classification: Likely benign for Inborn genetic diseases. Last evaluated: 2024-10-07. Review status: criteria provided, single submitter. Criteria: Ambry Variant Classification Scheme 2023. Collection method: clinical testing. Allele origin: germline.

Fulgent Genetics
Classification: Uncertain significance for Autosomal dominant Alport syndrome; Hematuria, benign familial, 2; Alport syndrome 3b, autosomal recessive. Last evaluated: 2024-04-22. Review status: criteria provided, single submitter. Criteria: ACMG Guidelines, 2015. Collection method: clinical testing. Allele origin: germline.